The following is an entry in ClinVar:

ClinVar aggregate classification (germline): Uncertain significance (1 of 4 stars; one submission).

Conditions:
Heterotopia, periventricular, X-linked dominant (PVNH1). Also called: PERIVENTRICULAR NODULAR HETEROTOPIA 4; HETEROTOPIA, PERIVENTRICULAR, 1; PERIVENTRICULAR NODULAR HETEROTOPIA 1; X-linked periventricular heterotopia. Identifiers: Orphanet 2149, Orphanet 82004, MedGen C1848213, MONDO:0010233, OMIM 300049.
Oto-palato-digital syndrome, type II (OPD2). Also called: Otopalatodigital Syndrome, Type II; FACIOPALATOOSSEOUS SYNDROME; OPD II SYNDROME; Otopalatodigital Syndrome Type 2 (FLNA-OPD2). Identifiers: Orphanet 669, Orphanet 90652, MedGen C1844696, MONDO:0010571, OMIM 304120.
Melnick-Needles syndrome (MNS). Also called: MELNICK-NEEDLES OSTEODYSPLASTY; OSTEODYSPLASTY OF MELNICK AND NEEDLES; Melnick-Needles Syndrome (FLNA-MNS). Identifiers: Orphanet 2484, MedGen C0025237, MONDO:0010650, OMIM 309350.
Frontometaphyseal dysplasia (FMD1). Identifiers: Orphanet 1826, MedGen C0265293, MONDO:0015942.

Submission:

Labcorp Genetics (formerly Invitae), Labcorp
Classification: Uncertain significance for Oto-palato-digital syndrome, type II; Heterotopia, periventricular, X-linked dominant; Frontometaphyseal dysplasia; Melnick-Needles syndrome. Last evaluated: 2018-10-26. Review status: criteria provided, single submitter. Criteria: Invitae Variant Classification Sherloc (09022015). Collection method: clinical testing. Allele origin: germline.
Comment: In summary, the available evidence is currently insufficient to determine the role of this variant in disease. Therefore, it has been classified as a Variant of Uncertain Significance. Algorithms developed to predict the effect of missense changes on protein structure and function (SIFT, PolyPhen-2, Align-GVGD) all suggest that this variant is likely to be disruptive, but these predictions have not been confirmed by published functional studies and their clinical significance is uncertain. This variant has not been reported in the literature in individuals with FLNA-related disease. This variant is not present in population databases (ExAC no frequency). This sequence change replaces glutamic acid with aspartic acid at codon 2388 of the FLNA protein (p.Glu2388Asp). The glutamic acid residue is highly conserved and there is a small physicochemical difference between glutamic acid and aspartic acid.

NM_001110556.2(FLNA):c.7188G>C (p.Glu2396Asp)

Gene: FLNA (filamin A; minus strand). Cytogenetic location: Xq28.
Variant type: single nucleotide variant.
Coding change: c.7188G>C on transcript NM_001110556.2 (MANE Select); coding-DNA position 7188, G replaced by C.
Protein change: p.Glu2396Asp; replaces glutamic acid 2396 with aspartic acid.
Molecular consequence: missense variant.
Genome position (GRCh38, 1-based): chrX:154,350,176, C>G on the plus strand (G>C on the coding strand, the complement: FLNA is on the minus strand). VCF-style: chrX-154350176-C-G. GRCh37 (hg19) VCF-style: chrX-153578544-C-G.
Other names: c.7164G>C, p.Glu2388Asp (NM_001456.4); short protein forms E2388D, E2396D.
Identifiers: ClinVar variation 640643 (VCV000640643.10), dbSNP rs1557175461, ClinGen allele CA415184320.
Genomic context (GRCh38, chrX:154,350,176, plus strand): 5'-GAAGGGGCTTCCAGGGATGTGGGTGCCGTTGAACTTGACGTCAATCAGGTAAACGCCATT[C>G]TCCCGAGGGATGAAGCGCACAGCATACTTATCTGAGGAGCAGGGAGTCATGCTGTGGGCC-3'
Protein context (NP_001104026.1, residues 2386-2406): DKYAVRFIPR[Glu2396Asp]NGVYLIDVKF